The following is an entry in ClinVar:

ClinVar aggregate classification (germline): Uncertain significance (1 of 4 stars; one submission).

gnomAD v4.1: 3 of 1,527,920 alleles (0.0002%); highest among the groups gnomAD compares: Non-Finnish European, 0.00026%; no homozygotes.

Submission:

GeneDx
Classification: Uncertain significance. Last evaluated: 2024-04-04. Review status: criteria provided, single submitter. Criteria: GeneDx Variant Classification Process June 2021. Collection method: clinical testing. Allele origin: germline. Affected: yes.
Comment: Not observed at significant frequency in large population cohorts (gnomAD); In silico analysis indicates that this missense variant does not alter protein structure/function; Has not been previously published as pathogenic or benign to our knowledge

NM_001308093.3(GATA4):c.586G>T (p.Ala196Ser)

Gene: GATA4 (GATA binding protein 4). Cytogenetic location: 8p23.1.
Variant type: single nucleotide variant.
Coding change: c.586G>T on transcript NM_001308093.3 (MANE Select); coding-DNA position 586, G replaced by T.
Protein change: p.Ala196Ser; replaces alanine 196 with serine.
Molecular consequence: missense variant. On other transcripts: intron variant (3).
Genome position (GRCh38, 1-based): chr8:11,708,898, G>T. VCF-style: chr8-11708898-G-T. GRCh37 (hg19) VCF-style: chr8-11566407-G-T.
Other names: c.586G>T, p.Ala196Ser (NM_002052.5); c.-6+8120G>T (NM_001308094.2); c.-3+884G>T (NM_001374274.1); c.-3+4594G>T (NM_001374273.1); short protein forms A196S.
Identifiers: ClinVar variation 3372025 (VCV003372025.1).
Genomic context (GRCh38, chr8:11,708,898, plus strand): 5'-GCCGCCGCCGCCTCCGCCGGCCCCTTCGACAGCCCGGTCCTGCACAGCCTGCCCGGCCGG[G>T]CCAACCCGGCCGCCCGACACCCCAATCTCGGTGAGTAGGAGCGCGAGGGCTGGGGCGCGT-3'
Protein context (NP_001295022.1, residues 186-206): SPVLHSLPGR[Ala196Ser]NPAARHPNLV